The following is an entry in ClinVar:

ClinVar aggregate classification (germline): Uncertain significance. Review status: criteria provided, multiple submitters, no conflicts (2 of 4 stars). 4 submissions from 4 submitters: Uncertain significance (4). Last evaluated 2026-03-31.

Conditions:
Atrial fibrillation, familial, 7 (ATFB7). Identifiers: MedGen C2677106, MONDO:0012828, OMIM 612240.
Inborn genetic diseases. Identifiers: MedGen C0950123, MeSH D030342.

Allele frequency attached by ClinVar (database versions not stated): gnomAD exomes 0.00001; TOPMed 0.00001; ExAC 0.00002; gnomAD 0.00002; ESP Exome Variant Server 0.00008.
gnomAD v4.1: 35 of 1,614,054 alleles (0.0022%); highest among the groups gnomAD compares: South Asian, 0.0088%; 2 homozygotes.

Submissions (4):

GeneDx
Classification: Uncertain significance. Last evaluated: 2026-03-31. Review status: criteria provided, single submitter. Criteria: GeneDx Variant Classification Process June 2021. Collection method: clinical testing. Allele origin: germline.
Comment: Not observed at significant frequency in large population cohorts (gnomAD); In silico analysis supports that this missense variant has a deleterious effect on protein structure/function; Has not been previously published as pathogenic or benign to our knowledge

Ambry Genetics
Classification: Uncertain significance for Inborn genetic diseases. Last evaluated: 2025-12-03. Review status: criteria provided, single submitter. Criteria: Ambry Variant Classification Scheme 2023. Collection method: clinical testing. Allele origin: germline.

Blueprint Genetics
Classification: Uncertain significance. Last evaluated: 2024-11-23. Review status: criteria provided, single submitter. Criteria: ACMG Guidelines, 2015. Collection method: clinical testing. Allele origin: germline.

Labcorp Genetics (formerly Invitae), Labcorp
Classification: Uncertain significance for Atrial fibrillation, familial, 7. Last evaluated: 2021-08-29. Review status: criteria provided, single submitter. Criteria: Invitae Variant Classification Sherloc (09022015). Collection method: clinical testing. Allele origin: germline.
Comment: Algorithms developed to predict the effect of missense changes on protein structure and function are either unavailable or do not agree on the potential impact of this missense change (SIFT: "Tolerated"; PolyPhen-2: "Probably Damaging"; Align-GVGD: "Class C0"). This sequence change replaces alanine with threonine at codon 503 of the KCNA5 protein (p.Ala503Thr). The alanine residue is highly conserved and there is a small physicochemical difference between alanine and threonine. This variant is present in population databases (rs140711603, ExAC 0.006%). This variant has not been reported in the literature in individuals with KCNA5-related conditions. In summary, the available evidence is currently insufficient to determine the role of this variant in disease. Therefore, it has been classified as a Variant of Uncertain Significance.

NM_002234.4(KCNA5):c.1507G>A (p.Ala503Thr)

Gene: KCNA5 (potassium voltage-gated channel subfamily A member 5; plus strand). Cytogenetic location: 12p13.32.
Variant type: single nucleotide variant.
Coding change: c.1507G>A on transcript NM_002234.4 (MANE Select); coding-DNA position 1507, G replaced by A.
Protein change: p.Ala503Thr; replaces alanine 503 with threonine.
Molecular consequence: missense variant.
Genome position (GRCh38, 1-based): chr12:5,045,654, G>A. VCF-style: chr12-5045654-G-A. GRCh37 (hg19) VCF-style: chr12-5154820-G-A.
Other names: c.1507G>A (NM_002234.2); short protein forms A503T.
Identifiers: ClinVar variation 1036453 (VCV001036453.11), dbSNP rs140711603, ClinGen allele CA6399883.